The following continues an entry in ClinVar:

NM_000369.5(TSHR):c.202C>T (p.Pro68Ser)

ClinVar aggregate classification (germline): Conflicting classifications of pathogenicity. Pathogenic (2); Likely pathogenic (7); Uncertain significance (5).

Submissions 13 to 16 of 16:

Ambry Genetics
Classification: Likely pathogenic for Inborn genetic diseases. Last evaluated: 2021-07-27. Review status: criteria provided, single submitter. Criteria: Ambry Variant Classification Scheme 2023. Collection method: clinical testing. Allele origin: germline.
Comment: The c.202C>T (p.P68S) alteration is located in exon 2 (coding exon 2) of the TSHR gene. This alteration results from a C to T substitution at nucleotide position 202, causing the proline (P) at amino acid position 68 to be replaced by a serine (S)._x000D_ _x000D_ Based on the available evidence, this alteration is likely pathogenic for autosomal recessive congenital nongoitrous hypothyroidism; however, the association of this alteration with autosomal dominant nonautoimmune hyperthyroidism is unlikely. Based on data from the Genome Aggregation Database (gnomAD), the TSHR c.202C>T alteration was observed in 0.05% (140/281886) of total alleles studied, with a frequency of 0.17% (18/10358) in the Ashkenazi Jewish subpopulation. This variant has been observed as compound heterozygous with other TSHR variants in several individuals with elevated TSH levels and it has been reported to segregate with elevated TSH in multiple families (Tennenbaum-Rakover, 2009; Tennenbaum-Rakover, 2015; Vigone, 2017). This amino acid position is highly conserved in available vertebrate species. In vitro functional studies show that in the homozygous and compound heterozygous states, this alteration leads to a significant reduction in TSHR activity compared to wild-type (Tennenbaum-Rakover, 2009). Based on the available evidence, this alteration is classified as likely pathogenic.

Genetic Services Laboratory, University of Chicago
Classification: Likely pathogenic for Hypothyroidism, congenital, nongoitrous, 1. Last evaluated: 2016-07-01. Review status: criteria provided, single submitter. Criteria: ACMG Guidelines, 2015. Collection method: clinical testing. Allele origin: germline. Affected: yes.

Center of Medical Genetics and Primary Health Care
Classification: Uncertain significance for Breast Cancer. Last evaluated: 2020-04-08. Review status: no assertion criteria provided. Collection method: research. Allele origin: germline. Affected: yes. Observed: 1 heterozygote. Not counted in ClinVar's aggregate classification.
Comment: ACMG Guidelines 2015 criteria PP2 Pathogenic Supporting: 38 out of 52 non-VUS missense variants in gene TSHR are PATH = 73.1% > threshold of 51.0%, and 44 out of 118 clinically reported variants in gene TSHR are PATH = 37.3% > threshold of 12.0%. PP3 Pathogenic Supporting: 9 pathogenic predictions from DANN, DEOGEN2, EIGEN, FATHMM-MKL, M-CAP, MVP, MutationAssessor, MutationTaster and REVEL vs 2 benign predictions from PrimateAI and SIFT. Therefore, this variant was classified as a Variant of Unknown Significance.

Department of Pathology and Laboratory Medicine, Sinai Health System
Classification: Uncertain significance. Review status: no assertion criteria provided. Collection method: clinical testing. Allele origin: unknown. Affected: yes. Study: The Canadian Open Genetics Repository (COGR). Not counted in ClinVar's aggregate classification.
Comment: The TSHR p.P68S variant was identified in 2 of 382 proband chromosomes (frequency: 0.0052) from individuals with non-autoimmune subclinical hypothyroidism non-autoimmune hyperthyrotropinemia (Nicoletti_2009_PMID:19820021; Calebiro_2012_PMID:22049173). In a large consanguineous family with resistance to TSH, the p.P68S variant was found in 4 family members in the heterozygous state (1 mildly affected, 3 unaffected) and in 4 family members in the compound heterozygous state (2 affected, 2 mildly affected). Functional assays showed a decrease in TSHR activity when the p.P68S TSHR variant was transfected into HEK-293 cells alone, but not when transfected as wildtype-TSHR/p.P68S (mimicking heterozygosity) (Tenenbaum-Rakover_2009_PMID:19240155). The p.P68S variant was also identified in 4 of 111 pediatric patients; 3 patients had subclinical hypothyroidism (2 heterozygous, 1 compound heterozygous) and 1 patient had congenital hypothyroidism (heterozygous) (Vigone_2017_PMID:28561265). The variant was identified in dbSNP (ID: rs142063461), ClinVar (classified as uncertain significance by Illumina and as likely pathogenic by Genetic Services Laboratory, University of Chicago) and LOVD 3.0 (classified as likely pathogenic). The variant was identified in control databases in 140 of 281886 chromosomes (1 homozygous) at a frequency of 0.0004967 increasing the likelihood this could be a low frequency benign variant (Genome Aggregation Database March 6, 2019, v2.1.1). The variant was observed in the following populations: Ashkenazi Jewish in 18 of 10358 chromosomes (freq: 0.001738), South Asian in 37 of 30534 chromosomes (freq: 0.001212), Other in 5 of 7178 chromosomes (freq: 0.000697), Latino in 24 of 35272 chromosomes (freq: 0.00068), European (non-Finnish) in 55 of 128682 chromosomes (freq: 0.000427) and African in 1 of 24926 chromosomes (freq: 0.00004), but was not observed in the East Asian or European (Finnish) populations. The p.P68 residue is conserved across mammals and other organisms, and computational analyses (PolyPhen-2, SIFT, AlignGVGD, BLOSUM, MutationTaster) provide inconsistent predictions regarding the potential impact to the protein. The variant occurs outside of the splicing consensus sequence and in silico or computational prediction software programs (SpliceSiteFinder, MaxEntScan, NNSPLICE, GeneSplicer) do not predict a difference in splicing. Functional in vitro assays showed a decrease in cell surface expression of TSHR with the p.P68S compared to wildtype but no significant difference in biological activity (Nicoletti_2009_PMID:19820021). In summary, based on the above information the clinical significance of this variant cannot be determined with certainty at this time. This variant is classified as a variant of uncertain significance.

Literature cited by the submitters: PubMed 19240155 (cited by 4 submitters); PubMed 25557138 (cited by 3 submitters); PubMed 19820021 (cited by 3 submitters); PubMed 22049173 (cited by Ambry Genetics); PubMed 27060741 (cited by Ambry Genetics); PubMed 28561265 (cited by Ambry Genetics).